The following is an entry in ClinVar:

NM_006623.4(PHGDH):c.399G>A (p.Trp133Ter)

Gene: PHGDH (phosphoglycerate dehydrogenase; plus strand). Cytogenetic location: 1p12.
Variant type: single nucleotide variant.
Coding change: c.399G>A on transcript NM_006623.4 (MANE Select); coding-DNA position 399, G replaced by A.
Protein change: p.Trp133Ter; replaces tryptophan 133 with a stop codon.
Molecular consequence: nonsense.
Genome position (GRCh38, 1-based): chr1:119,726,893, G>A. VCF-style: chr1-119726893-G-A. GRCh37 (hg19) VCF-style: chr1-120269516-G-A.
Other names: c.399G>A (NM_006623.3); short protein forms W133*.
Identifiers: ClinVar variation 2883978 (VCV002883978.5), dbSNP rs1651447610, ClinGen allele CA341847619.
Genomic context (GRCh38, chr1:119,726,893, plus strand): 5'-CTGTGTCTATCCTTGCAGGCAGATTCCCCAGGCGACGGCTTCGATGAAGGACGGCAAATG[G>A]GAGCGGAAGAAGGTGAGCAGCGGCCTTGACTCGCCCCACCTGGGCTCAGGGCCCGGGGTC-3'

ClinVar aggregate classification (germline): Pathogenic/Likely pathogenic. Review status: criteria provided, multiple submitters, no conflicts (2 of 4 stars). 3 submissions from 3 submitters: Pathogenic (2); Likely pathogenic (1). Last evaluated 2024-10-15.

Conditions:
PHGDH deficiency. Identifiers: Orphanet 79351, MedGen C1866174, MONDO:0011152, OMIM 601815.

Allele frequency attached by ClinVar (database versions not stated): TOPMed below 0.00001.

Submissions (3):

Women's Health and Genetics/Laboratory Corporation of America, LabCorp
Classification: Pathogenic for PHGDH deficiency. Last evaluated: 2024-10-15. Review status: criteria provided, single submitter. Criteria: LabCorp Variant Classification Summary - May 2015. Collection method: clinical testing. Allele origin: germline.
Comment: Variant summary: PHGDH c.399G>A (p.Trp133X) results in a premature termination codon, predicted to cause a truncation of the encoded protein or absence of the protein due to nonsense mediated decay, which are commonly known mechanisms for disease. The variant was absent in 251484 control chromosomes. To our knowledge, no occurrence of c.399G>A in individuals affected with Phosphoglycerate Dehydrogenase Deficiency and no experimental evidence demonstrating its impact on protein function have been reported. ClinVar contains an entry for this variant (Variation ID: 2883978). Based on the evidence outlined above, the variant was classified as pathogenic.

Natera, Inc.
Classification: Likely pathogenic for Phosphoglycerate dehydrogenase deficiency. Last evaluated: 2024-08-13. Review status: criteria provided, single submitter. Criteria: Natera Variant Classification Schema (03/2026). Collection method: clinical testing. Allele origin: germline.
Comment: The c.399G>A variant in PHGDH is a nonsense variant predicted to introduce a stop codon at amino acid 133. This variant is expected to result in nonsense mediated decay, truncation, or a dysfunctional protein product. This variant is rare in the general population with a frequency below the threshold expected for the associated phenotype(s). Given the available evidence, this variant is classified as Likely Pathogenic.

Labcorp Genetics (formerly Invitae), Labcorp
Classification: Pathogenic for PHGDH deficiency. Last evaluated: 2023-03-30. Review status: criteria provided, single submitter. Criteria: Invitae Variant Classification Sherloc (09022015). Collection method: clinical testing. Allele origin: germline.
Comment: This sequence change creates a premature translational stop signal (p.Trp133*) in the PHGDH gene. It is expected to result in an absent or disrupted protein product. Loss-of-function variants in PHGDH are known to be pathogenic (PMID: 14645240, 24836451). This variant is not present in population databases (gnomAD no frequency). This premature translational stop signal has been observed in individual(s) with Neu-Laxova syndrome (PMID: 28903583). For these reasons, this variant has been classified as Pathogenic.

Literature cited by the submitters: PubMed 14645240 (cited by Labcorp Genetics (formerly Invitae), Labcorp); PubMed 24836451 (cited by Labcorp Genetics (formerly Invitae), Labcorp); PubMed 28903583 (cited by Labcorp Genetics (formerly Invitae), Labcorp).